The following is an entry in ClinVar:

NM_000709.4(BCKDHA):c.744C>T (p.Ala248=)

Gene: BCKDHA (branched chain keto acid dehydrogenase E1 subunit alpha; plus strand). Cytogenetic location: 19q13.2.
Variant type: single nucleotide variant.
Coding change: c.744C>T on transcript NM_000709.4 (MANE Select); coding-DNA position 744, C replaced by T.
Protein change: p.Ala248=; no amino-acid change (alanine 248 retained).
Molecular consequence: synonymous variant.
Genome position (GRCh38, 1-based): chr19:41,422,261, C>T. VCF-style: chr19-41422261-C-T. GRCh37 (hg19) VCF-style: chr19-41928166-C-T.
Other names: c.744C>T, p.Ala248= (NM_001164783.2).
Identifiers: ClinVar variation 703003 (VCV000703003.28), dbSNP rs137960127, ClinGen allele CA9461252.

ClinVar aggregate classification (germline): Conflicting classifications of pathogenicity. Review status: criteria provided, conflicting classifications (1 of 4 stars). 7 submissions from 7 submitters: Uncertain significance (1); Likely benign (5). 1 of the submissions does not count toward it. Last evaluated 2026-01-25.

Conditions:
Inborn genetic diseases. Identifiers: MedGen C0950123, MeSH D030342.
Maple syrup urine disease (MSUD). Identifiers: Orphanet 511, MedGen C0024776, MeSH D008375, MONDO:0009563. Disease mechanism: loss of function.
Maple syrup urine disease type 1A (MSUD1A). Also called: MSUD type 1A. Identifiers: MedGen C1855369, MONDO:0023691, OMIM 248600.

Allele frequency attached by ClinVar (database versions not stated): ExAC 0.00016; gnomAD exomes 0.00016; TOPMed 0.00017; gnomAD 0.00023 and 0.00024; ESP Exome Variant Server 0.00031.
gnomAD v4.1: 445 of 1,614,092 alleles (0.028%); highest among the groups gnomAD compares: Non-Finnish European, 0.035%; 1 homozygote.

Submissions (7):

Labcorp Genetics (formerly Invitae), Labcorp
Classification: Likely benign for Maple syrup urine disease. Last evaluated: 2026-01-25. Review status: criteria provided, single submitter. Criteria: Invitae Variant Classification Sherloc (09022015). Collection method: clinical testing. Allele origin: germline.

CeGaT Center for Human Genetics Tuebingen
Classification: Likely benign. Last evaluated: 2025-10-01. Review status: criteria provided, single submitter. Criteria: CeGaT Center For Human Genetics Tuebingen Variant Classification Criteria Version 2. Collection method: clinical testing. Allele origin: germline. Affected: yes. Observed: 1 variant allele.
Comment: BCKDHA: BP4, BP7

Ambry Genetics
Classification: Likely benign for Inborn genetic diseases. Last evaluated: 2024-06-28. Review status: criteria provided, single submitter. Criteria: Ambry Variant Classification Scheme 2023. Collection method: clinical testing. Allele origin: germline.

Blueprint Genetics
Classification: Likely benign. Last evaluated: 2024-06-04. Review status: criteria provided, single submitter. Criteria: ACMG Guidelines, 2015. Collection method: clinical testing. Allele origin: germline.

Genome-Nilou Lab
Classification: Likely benign for Maple syrup urine disease type 1A. Last evaluated: 2021-11-07. Review status: criteria provided, single submitter. Criteria: ACMG Guidelines, 2015. Collection method: clinical testing. Allele origin: germline. Affected: no.

Illumina Laboratory Services, Illumina
Classification: Uncertain significance for Maple syrup urine disease type 1A. Last evaluated: 2017-04-27. Review status: criteria provided, single submitter. Criteria: ICSL Variant Classification Criteria 13 December 2019. Collection method: clinical testing. Allele origin: germline.

Natera, Inc.
Classification: Uncertain significance for Maple syrup urine disease type 1A. Last evaluated: 2020-01-24. Review status: no assertion criteria provided. Collection method: clinical testing. Allele origin: germline. Not counted in ClinVar's aggregate classification.